The following is an entry in ClinVar:

ClinVar aggregate classification (germline): Uncertain significance (1 of 4 stars; one submission).

gnomAD v4.1: 4 of 1,614,050 alleles (0.00025%); highest among the groups gnomAD compares: Non-Finnish European, 0.00034%; no homozygotes.

Submission:

Labcorp Genetics (formerly Invitae), Labcorp
Classification: Uncertain significance. Last evaluated: 2025-04-18. Review status: criteria provided, single submitter. Criteria: Invitae Variant Classification Sherloc (09022015). Collection method: clinical testing. Allele origin: germline.
Comment: This sequence change replaces glutamic acid, which is acidic and polar, with glutamine, which is neutral and polar, at codon 381 of the ACAN protein (p.Glu381Gln). This variant is not present in population databases (gnomAD no frequency). This variant has not been reported in the literature in individuals affected with ACAN-related conditions. Invitae Evidence Modeling of protein sequence and biophysical properties (such as structural, functional, and spatial information, amino acid conservation, physicochemical variation, residue mobility, and thermodynamic stability) indicates that this missense variant is not expected to disrupt ACAN protein function with a negative predictive value of 80%. In summary, the available evidence is currently insufficient to determine the role of this variant in disease. Therefore, it has been classified as a Variant of Uncertain Significance.

NM_001369268.1(ACAN):c.1141G>C (p.Glu381Gln)

Gene: ACAN (aggrecan; plus strand). Cytogenetic location: 15q26.1.
Variant type: single nucleotide variant.
Coding change: c.1141G>C on transcript NM_001369268.1 (MANE Select); coding-DNA position 1141, G replaced by C.
Protein change: p.Glu381Gln; replaces glutamic acid 381 with glutamine.
Molecular consequence: missense variant.
Genome position (GRCh38, 1-based): chr15:88,845,594, G>C. VCF-style: chr15-88845594-G-C. GRCh37 (hg19) VCF-style: chr15-89388825-G-C.
Other names: c.1141G>C, p.Glu381Gln (NM_001135.4, NM_001411096.1, NM_001411097.1 and 1 more transcripts); short protein forms E381Q.
Identifiers: ClinVar variation 4700699 (VCV004700699.1).
Genomic context (GRCh38, chr15:88,845,594, plus strand): 5'-TTCTTTGGAGTGGGGGGTGAGGAGGACATCACCGTCCAGACAGTGACCTGGCCTGACATG[G>C]AGCTGCCACTGCCTCGAAACATCACTGAGGGTGAAGCCCGAGGCAGCGTGATCCTTACCG-3'
Protein context (NP_001356197.1, residues 371-391): TVQTVTWPDM[Glu381Gln]LPLPRNITEG